The following is an entry in ClinVar:

ClinVar aggregate classification (germline): Benign. Review status: criteria provided, multiple submitters, no conflicts (2 of 4 stars). 2 submissions from 2 submitters: Benign (2). Last evaluated 2018-06-16.

Allele frequency attached by ClinVar (database versions not stated): 1000 Genomes Project 0.05252; 1000 Genomes Project 30x 0.05793; gnomAD exomes 0.00504; TOPMed 0.05157; gnomAD 0.04643 and 0.05016.
gnomAD v4.1: 10,872 of 879,742 alleles (1.2%); highest among the groups gnomAD compares: African/African-American, 16%; 775 homozygotes.

Submissions (4):

GeneDx
Classification: Benign. Last evaluated: 2018-06-16. Review status: criteria provided, single submitter. Criteria: GeneDx Variant Classification (06012015). Collection method: clinical testing. Allele origin: germline. Affected: yes.
Comment: This variant is considered likely benign or benign based on one or more of the following criteria: it is a conservative change, it occurs at a poorly conserved position in the protein, it is predicted to be benign by multiple in silico algorithms, and/or has population frequency not consistent with disease.

Breakthrough Genomics
Classification: Benign. Review status: criteria provided, single submitter. Criteria: ACMG Guidelines, 2015. Collection method: not provided. Allele origin: germline. Inheritance: Autosomal recessive inheritance. Affected: yes.

Dr. Peter K. Rogan Lab, Western University
No classification provided (evidence only). Condition: Uterine carcinosarcoma. Review status: no classification provided. Collection method: in vitro. Allele origin: not applicable. Functional consequence: retained intron. Not counted in ClinVar's aggregate classification.

Dr. Peter K. Rogan Lab, Western University
No classification provided (evidence only). Condition: Uterine carcinosarcoma. Review status: no classification provided. Collection method: in vitro. Allele origin: not applicable. Functional consequence: retained intron. Not counted in ClinVar's aggregate classification.

NM_007103.4(NDUFV1):c.72+154G>A

Gene: NDUFV1 (NADH:ubiquinone oxidoreductase core subunit V1; plus strand). Cytogenetic location: 11q13.2.
Variant type: single nucleotide variant.
Coding change: c.72+154G>A on transcript NM_007103.4 (MANE Select); 154 bases into the intron after coding-DNA position 72, G replaced by A.
Molecular consequence: intron variant.
Genome position (GRCh38, 1-based): chr11:67,607,230, G>A. VCF-style: chr11-67607230-G-A. GRCh37 (hg19) VCF-style: chr11-67374701-G-A.
Other names: NC_000011.9:g.67374701G>A; c.45+181G>A (NM_001166102.2).
Identifiers: ClinVar variation 683145 (VCV000683145.3), dbSNP rs11227853, ClinGen allele CA13505083.